The following is an entry in ClinVar:

ClinVar aggregate classification (germline): Uncertain significance (1 of 4 stars; one submission).

Conditions:
Facioscapulohumeral muscular dystrophy 2 (FSHD2). Also called: FACIOSCAPULOHUMERAL MUSCULAR DYSTROPHY 2, DIGENIC; FSHD2, DIGENIC; MUSCULAR DYSTROPHY, FACIOSCAPULOHUMERAL, TYPE 1B. Identifiers: Orphanet 269, MedGen C1834671, MONDO:0008031, OMIM 158901.

Submission:

Labcorp Genetics (formerly Invitae), Labcorp
Classification: Uncertain significance for Facioscapulohumeral muscular dystrophy 2. Last evaluated: 2022-10-13. Review status: criteria provided, single submitter. Criteria: Invitae Variant Classification Sherloc (09022015). Collection method: clinical testing. Allele origin: germline.
Comment: Algorithms developed to predict the effect of missense changes on protein structure and function (SIFT, PolyPhen-2, Align-GVGD) all suggest that this variant is likely to be tolerated. In summary, the available evidence is currently insufficient to determine the role of this variant in disease. Therefore, it has been classified as a Variant of Uncertain Significance. ClinVar contains an entry for this variant (Variation ID: 1004868). This sequence change replaces threonine, which is neutral and polar, with alanine, which is neutral and non-polar, at codon 27 of the SMCHD1 protein (p.Thr27Ala). This variant is not present in population databases (gnomAD no frequency). This variant has not been reported in the literature in individuals affected with SMCHD1-related conditions.

NM_015295.3(SMCHD1):c.79A>G (p.Thr27Ala)

Gene: SMCHD1 (structural maintenance of chromosomes flexible hinge domain containing 1; plus strand). Cytogenetic location: 18p11.32.
Variant type: single nucleotide variant.
Coding change: c.79A>G on transcript NM_015295.3 (MANE Select); coding-DNA position 79, A replaced by G.
Protein change: p.Thr27Ala; replaces threonine 27 with alanine.
Molecular consequence: missense variant.
Genome position (GRCh38, 1-based): chr18:2,656,154, A>G. VCF-style: chr18-2656154-A-G. GRCh37 (hg19) VCF-style: chr18-2656153-A-G.
Other names: short protein forms T27A.
Identifiers: ClinVar variation 1004868 (VCV001004868.10), dbSNP rs2073049032, ClinGen allele CA401684865.